The following is an entry in ClinVar:

ClinVar aggregate classification (germline): Likely benign. Review status: criteria provided, multiple submitters, no conflicts (2 of 4 stars). 6 submissions from 6 submitters: Likely benign (5). 1 of the submissions does not count toward it. Last evaluated 2025-10-02.

Conditions:
TTN-related disorder. Also called: TTN-related disorders; TTN-related condition; TTN-related disease.
Cardiovascular phenotype. Identifiers: MedGen CN230736.
Dilated cardiomyopathy 1G (CMD1G). Identifiers: Orphanet 154, MedGen C1858763, MONDO:0011400, OMIM 604145.
Autosomal recessive limb-girdle muscular dystrophy type 2J (LGMDR10). Also called: Limb-girdle muscular dystrophy, type 2J; MUSCULAR DYSTROPHY, LIMB-GIRDLE, AUTOSOMAL RECESSIVE 10. Identifiers: Orphanet 140922, MedGen C1837342, MONDO:0012127, OMIM 608807.

Allele frequency attached by ClinVar (database versions not stated): TOPMed 0.00002; ESP Exome Variant Server 0.00008; 1000 Genomes Project 30x 0.00016; gnomAD 0.00054.
gnomAD v4.1: 85 of 1,612,212 alleles (0.0053%); highest among the groups gnomAD compares: East Asian, 0.0067%; no homozygotes.

Submissions (6):

Labcorp Genetics (formerly Invitae), Labcorp
Classification: Likely benign for Dilated cardiomyopathy 1G; Autosomal recessive limb-girdle muscular dystrophy type 2J. Last evaluated: 2025-10-02. Review status: criteria provided, single submitter. Criteria: Invitae Variant Classification Sherloc (09022015). Collection method: clinical testing. Allele origin: germline.

CeGaT Center for Human Genetics Tuebingen
Classification: Likely benign. Last evaluated: 2025-06-01. Review status: criteria provided, single submitter. Criteria: CeGaT Center For Human Genetics Tuebingen Variant Classification Criteria Version 2. Collection method: clinical testing. Allele origin: germline. Affected: yes. Observed: 6 variant alleles.
Comment: TTN: BP4, BP7

Blueprint Genetics
Classification: Likely benign. Last evaluated: 2024-09-16. Review status: criteria provided, single submitter. Criteria: ACMG Guidelines, 2015. Collection method: clinical testing. Allele origin: germline.

GeneDx
Classification: Likely benign. Last evaluated: 2020-12-29. Review status: criteria provided, single submitter. Criteria: GeneDx Variant Classification Process June 2021. Collection method: clinical testing. Allele origin: germline. Affected: yes.

Ambry Genetics
Classification: Likely benign for Cardiovascular phenotype. Last evaluated: 2019-11-01. Review status: criteria provided, single submitter. Criteria: Ambry Variant Classification Scheme 2023. Collection method: clinical testing. Allele origin: germline.

PreventionGenetics, part of Exact Sciences
Classification: Likely benign for TTN-related condition. Last evaluated: 2019-10-28. Review status: no assertion criteria provided. Collection method: clinical testing. Allele origin: germline. Not counted in ClinVar's aggregate classification.
Comment: This variant is classified as likely benign based on ACMG/AMP sequence variant interpretation guidelines (Richards et al. 2015 PMID: 25741868, with internal and published modifications).

NM_001267550.2(TTN):c.66576C>T (p.Leu22192=)

Genes: TTN (titin; minus strand), TTN-AS1 (TTN antisense RNA 1; plus strand). Cytogenetic location: 2q31.2.
Variant type: single nucleotide variant.
Coding change: c.66576C>T on transcript NM_001267550.2 (MANE Select); coding-DNA position 66576, C replaced by T.
Protein change: p.Leu22192=; no amino-acid change (leucine 22192 retained).
Molecular consequence: synonymous variant.
Genome position (GRCh38, 1-based): chr2:178,581,692, G>A on the plus strand (C>T on the coding strand, the complement: TTN is on the minus strand). VCF-style: chr2-178581692-G-A. GRCh37 (hg19) VCF-style: chr2-179446419-G-A.
Other names: c.61653C>T, p.Leu20551= (NM_001256850.1); c.39381C>T, p.Leu13127= (NM_003319.4); c.58872C>T, p.Leu19624= (NM_133378.4); c.39756C>T, p.Leu13252= (NM_133432.3); c.39957C>T, p.Leu13319= (NM_133437.4).
Identifiers: ClinVar variation 535085 (VCV000535085.57), dbSNP rs187378247, ClinGen allele CA1991477.